The following is an entry in ClinVar:

NM_058216.3(RAD51C):c.501_502dup (p.Arg168fs)

Gene: RAD51C (RAD51 paralog C; plus strand). Cytogenetic location: 17q22.
Variant type: Duplication.
Coding change: c.501_502dup on transcript NM_058216.3 (MANE Select); coding-DNA positions 501 to 502, 2 bases duplicated (TA; older notation c.501_502dupTA).
Protein change: p.Arg168fs; shifts the reading frame from arginine 168.
Molecular consequence: frameshift variant.
Genome position (GRCh38, 1-based): chr17:58,696,789-58,696,790, TA duplicated; duplicating any 2 consecutive bases within chr17:58,696,788-58,696,790 gives the same sequence; the c. name uses the placement nearest the transcript's 3' end. VCF-style (leftmost placement, unchanged base first): chr17-58696787-G-GAT. GRCh37 (hg19) VCF-style: chr17-56774148-G-GAT.
Other names: c.501_502dup (LRG_314t1, NM_058216.2); c.501_502dupTA (NM_058216.1); short protein forms R168fs.
Identifiers: ClinVar variation 142758 (VCV000142758.16), dbSNP rs587782699, ClinGen allele CA169339.

ClinVar aggregate classification (germline): Pathogenic. Review status: criteria provided, multiple submitters, no conflicts (2 of 4 stars). 3 submissions from 3 submitters: Pathogenic (3). Last evaluated 2025-08-11.

Conditions:
Hereditary cancer-predisposing syndrome. Also called: Tumor predisposition; Neoplastic Syndromes, Hereditary; Hereditary neoplastic syndrome; Hereditary Cancer Syndrome. Identifiers: Orphanet 140162, MedGen C0027672, MeSH D009386, MONDO:0015356.
Fanconi anemia complementation group O. Also called: RAD51C-Related Fanconi Anemia. Identifiers: Orphanet 84, MedGen C3150653, MONDO:0013248, OMIM 613390.

Submissions (3):

Labcorp Genetics (formerly Invitae), Labcorp
Classification: Pathogenic for Fanconi anemia complementation group O. Last evaluated: 2025-08-11. Review status: criteria provided, single submitter. Criteria: Invitae Variant Classification Sherloc (09022015). Collection method: clinical testing. Allele origin: germline.
Comment: This sequence change creates a premature translational stop signal (p.Arg168Ilefs*4) in the RAD51C gene. It is expected to result in an absent or disrupted protein product. Loss-of-function variants in RAD51C are known to be pathogenic (PMID: 20400964, 21990120, 24800917, 29278735). This variant is not present in population databases (gnomAD no frequency). This premature translational stop signal has been observed in individual(s) with breast and/or ovarian (PMID: 32107557). ClinVar contains an entry for this variant (Variation ID: 142758). Algorithms developed to predict the effect of sequence changes on RNA splicing suggest that this variant may disrupt the consensus splice site. For these reasons, this variant has been classified as Pathogenic.

Ambry Genetics
Classification: Pathogenic for Hereditary cancer-predisposing syndrome. Last evaluated: 2024-01-03. Review status: criteria provided, single submitter. Criteria: Ambry Variant Classification Scheme 2023. Collection method: clinical testing. Allele origin: germline.
Comment: The c.501_502dupTA pathogenic mutation, located in coding exon 3 of the RAD51C gene, results from a duplication of TA at nucleotide position 501, causing a translational frameshift with a predicted alternate stop codon (p.R168Ifs*4). This alteration is expected to result in loss of function by premature protein truncation or nonsense-mediated mRNA decay. As such, this alteration is interpreted as a disease-causing mutation.

Color Diagnostics, LLC DBA Color Health
Classification: Pathogenic for Hereditary cancer-predisposing syndrome. Last evaluated: 2022-05-23. Review status: criteria provided, single submitter. Criteria: ACMG Guidelines, 2015. Collection method: clinical testing. Allele origin: germline.
Comment: This variant inserts 2 nucleotides in exon 3 of the RAD51C gene, creating a frameshift and premature translation stop signal. This variant is expected to result in an absent or non-functional protein product. To our knowledge, this variant has not been reported in individuals affected with hereditary cancer in the literature. This variant has not been identified in the general population by the Genome Aggregation Database (gnomAD). Loss of RAD51C function is a known mechanism of disease. Based on the available evidence, this variant is classified as Pathogenic.

Literature cited by the submitters: PubMed 20400964 (cited by Labcorp Genetics (formerly Invitae), Labcorp); PubMed 21990120 (cited by Labcorp Genetics (formerly Invitae), Labcorp); PubMed 24800917 (cited by Labcorp Genetics (formerly Invitae), Labcorp); PubMed 29278735 (cited by Labcorp Genetics (formerly Invitae), Labcorp); PubMed 32107557 (cited by Labcorp Genetics (formerly Invitae), Labcorp).